The following is an entry in ClinVar:

NM_000245.4(MET):c.688A>G (p.Thr230Ala)

Gene: MET (MET proto-oncogene, receptor tyrosine kinase; plus strand). Cytogenetic location: 7q31.2.
Variant type: single nucleotide variant.
Coding change: c.688A>G on transcript NM_000245.4 (MANE Select); coding-DNA position 688, A replaced by G.
Protein change: p.Thr230Ala; replaces threonine 230 with alanine.
Molecular consequence: missense variant. On other transcripts: intron variant (1).
Genome position (GRCh38, 1-based): chr7:116,699,772, A>G. VCF-style: chr7-116699772-A-G. GRCh37 (hg19) VCF-style: chr7-116339826-A-G.
Other names: c.688A>G, p.Thr230Ala (NM_001127500.3, NM_001324401.3); c.-91+27195A>G (NM_001324402.2); short protein forms T230A.
Identifiers: ClinVar variation 4859957 (VCV004859957.1).

ClinVar aggregate classification (germline): Uncertain significance (1 of 4 stars; one submission).

Conditions:
Hereditary cancer-predisposing syndrome. Also called: Neoplastic Syndromes, Hereditary; Tumor predisposition; Hereditary Cancer Syndrome; Hereditary neoplastic syndrome. Identifiers: Orphanet 140162, MedGen C0027672, MeSH D009386, MONDO:0015356.

Submission:

Ambry Genetics
Classification: Uncertain significance for Hereditary cancer-predisposing syndrome. Last evaluated: 2026-04-06. Review status: criteria provided, single submitter. Criteria: Ambry Variant Classification Scheme 2023. Collection method: clinical testing. Allele origin: germline.
Comment: The p.T230A variant (also known as c.688A>G), located in coding exon 1 of the MET gene, results from an A to G substitution at nucleotide position 688. The threonine at codon 230 is replaced by alanine, an amino acid with similar properties. This amino acid position is conserved. In addition, this alteration is predicted to be tolerated by in silico analysis. Based on the available evidence, the clinical significance of this variant remains unclear.